The following is an entry in ClinVar:

NM_001267550.2(TTN):c.11311+1297T>C

Gene: TTN (titin; minus strand). Cytogenetic location: 2q31.2.
Variant type: single nucleotide variant.
Coding change: c.11311+1297T>C on transcript NM_001267550.2 (MANE Select); 1297 bases into the intron after coding-DNA position 11311, T replaced by C.
Molecular consequence: intron variant. On other transcripts: missense variant (1).
Genome position (GRCh38, 1-based): chr2:178,751,827, A>G on the plus strand (T>C on the coding strand, the complement: TTN is on the minus strand). VCF-style: chr2-178751827-A-G. GRCh37 (hg19) VCF-style: chr2-179616554-A-G.
Other names: c.10573T>C, p.Cys3525Arg (NM_133379.5); c.10222+1297T>C (NM_003319.4); c.10798+1297T>C (NM_133437.4); c.10597+1297T>C (NM_133432.3); c.10360+1297T>C (NM_133378.4, NM_001256850.1); short protein forms C3525R.
Identifiers: ClinVar variation 4978707 (VCV004978707.1).
Genomic context (GRCh38, chr2:178,751,827, plus strand): 5'-GGATGGGCCGATTGTTATGAAACCAAGTCATTTCTGGAGTTGGACAGGCAATTAATCTAC[A>G]TGTAAAAACAACCGGTTCACCCTCTAAAACATATTTAAATGTAAGTTTCTGGGTAAAAGA-3'

ClinVar aggregate classification (germline): Uncertain significance (1 of 4 stars; one submission).

Conditions:
TTN-related disorder. Also called: TTN-related condition; TTN-related disease; TTN-related disorders.

gnomAD v4.1: 3 of 1,612,934 alleles (0.00019%); highest among the groups gnomAD compares: African/African-American, 0.0013%; no homozygotes.

Submission:

PreventionGenetics, part of Exact Sciences
Classification: Uncertain significance for TTN-related condition. Last evaluated: 2025-08-20. Review status: criteria provided, single submitter. Criteria: ACMG Guidelines, 2015. Collection method: clinical testing. Allele origin: germline.
Comment: The TTN c.11311+1297T>C variant is predicted to interfere with splicing. Of note, this variant is also referred to as c.10573T>C (p.Cys3525Arg), located in exon 46 of the alternative Novex-3 transcript NM_133379 (minor small cardiac isoform). This exon is not included in any other TTN transcripts (principle cardiac or skeletal muscle isoforms). To our knowledge, this variant has not been reported in the literature. This variant is reported in 0.0062% of alleles in individuals of African descent in gnomAD. At this time, the clinical significance of this variant is uncertain due to the absence of conclusive functional and genetic evidence.